The following is an entry in ClinVar:

ClinVar aggregate classification (germline): Likely benign (0 of 4 stars; one submission).

Conditions:
SYNRG-related disorder. Also called: SYNRG-related condition.

Allele frequency attached by ClinVar (database versions not stated): TOPMed below 0.00001; ExAC 0.00001; gnomAD 0.00001; gnomAD exomes 0.00001.
gnomAD v4.1: 22 of 1,613,838 alleles (0.0014%); highest among the groups gnomAD compares: Middle Eastern, 0.016%; no homozygotes.

Submission:

PreventionGenetics, part of Exact Sciences
Classification: Likely benign for SYNRG-related condition. Last evaluated: 2019-10-28. Review status: no assertion criteria provided. Collection method: clinical testing. Allele origin: germline.
Comment: This variant is classified as likely benign based on ACMG/AMP sequence variant interpretation guidelines (Richards et al. 2015 PMID: 25741868, with internal and published modifications).

NM_007247.6(SYNRG):c.3639C>T (p.Ile1213=)

Gene: SYNRG (synergin gamma; minus strand). Cytogenetic location: 17q12.
Variant type: single nucleotide variant.
Coding change: c.3639C>T on transcript NM_007247.6 (MANE Select); coding-DNA position 3639, C replaced by T.
Protein change: p.Ile1213=; no amino-acid change (isoleucine 1213 retained).
Molecular consequence: synonymous variant.
Genome position (GRCh38, 1-based): chr17:37,536,006, G>A on the plus strand (C>T on the coding strand, the complement: SYNRG is on the minus strand). VCF-style: chr17-37536006-G-A. GRCh37 (hg19) VCF-style: chr17-35896108-G-A.
Other names: c.3405C>T, p.Ile1135= (NM_001163544.3, NM_080550.5, NM_198882.3); c.3402C>T, p.Ile1134= (NM_001163545.3); c.3270C>T, p.Ile1090= (NM_001163546.3); c.3021C>T, p.Ile1007= (NM_001163547.3); c.3942C>T, p.Ile1314= (NM_001405103.1).
Identifiers: ClinVar variation 3045173 (VCV003045173.2), dbSNP rs754846886, ClinGen allele CA8517163.